The following is an entry in ClinVar:

ClinVar aggregate classification (germline): Uncertain significance (1 of 4 stars; one submission).

Conditions:
Long QT syndrome (LQTS). Identifiers: MedGen C0023976, MeSH D008133, MONDO:0002442. Disease mechanism: loss of function. Inheritance: Various modes of inheritance.

Submission:

Labcorp Genetics (formerly Invitae), Labcorp
Classification: Uncertain significance for Long QT syndrome. Last evaluated: 2023-05-03. Review status: criteria provided, single submitter. Criteria: Invitae Variant Classification Sherloc (09022015). Collection method: clinical testing. Allele origin: germline.
Comment: This variant has not been reported in the literature in individuals affected with CACNA1C-related conditions. In summary, the available evidence is currently insufficient to determine the role of this variant in disease. Therefore, it has been classified as a Variant of Uncertain Significance. Advanced modeling of protein sequence and biophysical properties (such as structural, functional, and spatial information, amino acid conservation, physicochemical variation, residue mobility, and thermodynamic stability) has been performed at Invitae for this missense variant, however the output from this modeling did not meet the statistical confidence thresholds required to predict the impact of this variant on CACNA1C protein function. This variant is not present in population databases (gnomAD no frequency). This sequence change replaces glutamic acid, which is acidic and polar, with glutamine, which is neutral and polar, at codon 431 of the CACNA1C protein (p.Glu431Gln).

NM_000719.7(CACNA1C):c.1291G>C (p.Glu431Gln)

Gene: CACNA1C (calcium voltage-gated channel subunit alpha1 C; plus strand). Cytogenetic location: 12p13.33.
Variant type: single nucleotide variant.
Coding change: c.1291G>C on transcript NM_000719.7 (MANE Select); coding-DNA position 1291, G replaced by C.
Protein change: p.Glu431Gln; replaces glutamic acid 431 with glutamine.
Molecular consequence: missense variant.
Genome position (GRCh38, 1-based): chr12:2,512,885, G>C. VCF-style: chr12-2512885-G-C. GRCh37 (hg19) VCF-style: chr12-2622051-G-C.
Other names: c.1291G>C, p.Glu431Gln (NM_001129827.2, NM_001129829.2, NM_001129830.3 and 18 more transcripts); c.1282G>C, p.Glu428Gln (NM_001129844.2); short protein forms E431Q, E428Q.
Identifiers: ClinVar variation 2861875 (VCV002861875.3), dbSNP rs1555700669, ClinGen allele CA383367055.